The following is an entry in ClinVar:

ClinVar aggregate classification (germline): Uncertain significance. Review status: criteria provided, multiple submitters, no conflicts (2 of 4 stars). 2 submissions from 2 submitters: Uncertain significance (2). Last evaluated 2024-01-12.

Allele frequency attached by ClinVar (database versions not stated): ExAC 0.00003; gnomAD 0.00015; 1000 Genomes Project 30x 0.00031; 1000 Genomes Project 0.00040.

Submissions (2):

Women's Health and Genetics/Laboratory Corporation of America, LabCorp
Classification: Uncertain significance. Last evaluated: 2024-01-12. Review status: criteria provided, single submitter. Criteria: LabCorp Variant Classification Summary - May 2015. Collection method: clinical testing. Allele origin: germline.
Comment: Variant summary: NDUFAF5 c.965G>C (p.Gly322Ala) results in a non-conservative amino acid change in the encoded protein sequence. Five of five in-silico tools predict a damaging effect of the variant on protein function. The variant allele was found at a frequency of 2.8e-05 in 250898 control chromosomes (gnomAD). The available data on variant occurrences in the general population are insufficient to allow any conclusion about variant significance. c.965G>C has been reported in the literature in individuals affected with Parkinson disease (example: Oluwole_2020). This report does not provide unequivocal conclusions about association of the variant with Leigh Syndrome. To our knowledge, no experimental evidence demonstrating an impact on protein function has been reported. The following publication has been ascertained in the context of this evaluation (PMID: 32019516). ClinVar contains an entry for this variant (Variation ID: 2055559). Based on the evidence outlined above, the variant was classified as uncertain significance.

Labcorp Genetics (formerly Invitae), Labcorp
Classification: Uncertain significance. Last evaluated: 2022-10-12. Review status: criteria provided, single submitter. Criteria: Invitae Variant Classification Sherloc (09022015). Collection method: clinical testing. Allele origin: germline.
Comment: This sequence change replaces glycine, which is neutral and non-polar, with alanine, which is neutral and non-polar, at codon 322 of the NDUFAF5 protein (p.Gly322Ala). This variant is present in population databases (rs140825882, gnomAD 0.04%). This variant has not been reported in the literature in individuals affected with NDUFAF5-related conditions. Algorithms developed to predict the effect of missense changes on protein structure and function (SIFT, PolyPhen-2, Align-GVGD) all suggest that this variant is likely to be disruptive. In summary, the available evidence is currently insufficient to determine the role of this variant in disease. Therefore, it has been classified as a Variant of Uncertain Significance.

Literature cited by the submitters: PubMed 32019516 (cited by Women's Health and Genetics/Laboratory Corporation of America, LabCorp).

NM_024120.5(NDUFAF5):c.965G>C (p.Gly322Ala)

Gene: NDUFAF5 (NADH:ubiquinone oxidoreductase complex assembly factor 5; plus strand). Cytogenetic location: 20p12.1.
Variant type: single nucleotide variant.
Coding change: c.965G>C on transcript NM_024120.5 (MANE Select); coding-DNA position 965, G replaced by C.
Protein change: p.Gly322Ala; replaces glycine 322 with alanine.
Molecular consequence: missense variant. On other transcripts: non-coding transcript variant (7).
Genome position (GRCh38, 1-based): chr20:13,817,137, G>C. VCF-style: chr20-13817137-G-C. GRCh37 (hg19) VCF-style: chr20-13797783-G-C.
Other names: c.881G>C, p.Gly294Ala (NM_001039375.3); c.494G>C, p.Gly165Ala (NM_001352403.2); c.404G>C, p.Gly135Ala (NM_001352406.2, NM_001352407.2); short protein forms G135A, G165A, G294A, G322A.
Identifiers: ClinVar variation 2055559 (VCV002055559.2), dbSNP rs140825882, ClinGen allele CA9767951.